The following is an entry in ClinVar:

NM_020719.3(PRR12):c.1022_1023insT (p.Ala343fs)

Gene: PRR12 (proline rich 12; plus strand). Cytogenetic location: 19q13.33.
Variant type: Insertion.
Coding change: c.1022_1023insT on transcript NM_020719.3 (MANE Select); coding-DNA positions 1022 to 1023, T inserted.
Protein change: p.Ala343fs; shifts the reading frame from alanine 343.
Molecular consequence: frameshift variant.
Genome position: GRCh38 VCF-style: chr19-49595357-C-CT. GRCh37 (hg19) VCF-style: chr19-50098614-C-CT.
Other names: short protein forms A343fs.
Identifiers: ClinVar variation 5018590 (VCV005018590.1).

ClinVar aggregate classification (germline): Likely pathogenic (1 of 4 stars; one submission).

Conditions:
Neuroocular syndrome 1 (NOC1). Identifiers: Orphanet 659904, MedGen C5925133, MONDO:0971007, OMIM 619539.

Submission:

Juno Genomics, Hangzhou Juno Genomics, Inc
Classification: Likely pathogenic for Neuroocular syndrome 1. Review status: criteria provided, single submitter. Criteria: ACMG Guidelines, 2015. Collection method: clinical testing. Allele origin: germline. Affected: yes.
Comment: Absent from controls (or at extremely low frequency if recessive) in Genome Aggregation Database.;Null variant in a gene where loss of function (LOF) is a known mechanism of disease.